The following is an entry in ClinVar:

NM_005676.5(RBM10):c.336GGA[10] (p.Glu119_Asp120insGluGlu)

Gene: RBM10 (RNA binding motif protein 10; plus strand). Cytogenetic location: Xp11.3.
Variant type: Microsatellite.
Coding change: c.336GGA[10] on transcript NM_005676.5 (MANE Select); ten copies in a row of the 3-base unit GGA starting at c.336; the reference has eight copies in a row; two copies, 6 bases duplicated.
Protein change: p.Glu119_Asp120insGluGlu.
Molecular consequence: inframe insertion. On other transcripts: intron variant (2).
Genome position (GRCh38, 1-based): chrX:47,171,180-47,171,185, GGAGGA duplicated; duplicating any 6 consecutive bases within chrX:47,171,162-47,171,185 gives the same sequence; the position shown is the placement nearest the transcript's 3' end. VCF-style (leftmost placement, unchanged base first): chrX-47171161-G-GGGAGGA. GRCh37 (hg19) VCF-style: chrX-47030560-G-GGGAGGA.
Other names: c.201+1664GGA[10] (NM_001204466.2, NM_152856.3); c.336GGA[10], p.Glu119_Asp120insGluGlu (NM_001204467.2); c.531GGA[10], p.Glu184_Asp185insGluGlu (NM_001204468.2).
Identifiers: ClinVar variation 2881171 (VCV002881171.3), dbSNP rs781822942, ClinGen allele CA641900215.

ClinVar aggregate classification (germline): Uncertain significance (1 of 4 stars; one submission).

Submission:

Labcorp Genetics (formerly Invitae), Labcorp
Classification: Uncertain significance. Last evaluated: 2023-03-02. Review status: criteria provided, single submitter. Criteria: Invitae Variant Classification Sherloc (09022015). Collection method: clinical testing. Allele origin: germline.
Comment: Experimental studies and prediction algorithms are not available or were not evaluated, and the functional significance of this variant is currently unknown. In summary, the available evidence is currently insufficient to determine the role of this variant in disease. Therefore, it has been classified as a Variant of Uncertain Significance. This variant, c.354_359dup, results in the insertion of 2 amino acid(s) of the RBM10 protein (p.Glu118_Glu119dup), but otherwise preserves the integrity of the reading frame. The frequency data for this variant in the population databases is considered unreliable, as metrics indicate poor data quality at this position in the gnomAD database. This variant has not been reported in the literature in individuals affected with RBM10-related conditions.